The following is an entry in ClinVar:

ClinVar aggregate classification (germline): Uncertain significance (1 of 4 stars; one submission).

Conditions:
PCNT-related disorder. Also called: PCNT-related condition.

Submission:

PreventionGenetics, part of Exact Sciences
Classification: Uncertain significance for PCNT-related condition. Last evaluated: 2025-04-24. Review status: criteria provided, single submitter. Criteria: ACMG Guidelines, 2015. Collection method: clinical testing. Allele origin: germline.
Comment: The PCNT c.3458G>A variant is predicted to result in the amino acid substitution p.Ser1153Asn. To our knowledge, this variant has not been reported in the literature or in a large population database (gnomAD), indicating this variant is rare. At this time, the clinical significance of this variant is uncertain due to the absence of conclusive functional and genetic evidence.

NM_006031.6(PCNT):c.3458G>A (p.Ser1153Asn)

Gene: PCNT (pericentrin; plus strand). Cytogenetic location: 21q22.3.
Variant type: single nucleotide variant.
Coding change: c.3458G>A on transcript NM_006031.6 (MANE Select); coding-DNA position 3458, G replaced by A.
Protein change: p.Ser1153Asn; replaces serine 1153 with asparagine.
Molecular consequence: missense variant.
Genome position (GRCh38, 1-based): chr21:46,385,977, G>A. VCF-style: chr21-46385977-G-A. GRCh37 (hg19) VCF-style: chr21-47805892-G-A.
Other names: c.3104G>A, p.Ser1035Asn (NM_001315529.2); short protein forms S1153N, S1035N.
Identifiers: ClinVar variation 4988011 (VCV004988011.1).